The following is an entry in ClinVar:

NM_024649.5(BBS1):c.1076G>T (p.Arg359Leu)

Genes: BBS1 (Bardet-Biedl syndrome 1; plus strand), ZDHHC24 (zDHHC palmitoyltransferase 24; minus strand). Cytogenetic location: 11q13.2.
Variant type: single nucleotide variant.
Coding change: c.1076G>T on transcript NM_024649.5 (MANE Select); coding-DNA position 1076, G replaced by T.
Protein change: p.Arg359Leu; replaces arginine 359 with leucine.
Molecular consequence: missense variant. On other transcripts: intron variant (1).
Genome position (GRCh38, 1-based): chr11:66,523,848, G>T. VCF-style: chr11-66523848-G-T. GRCh37 (hg19) VCF-style: chr11-66291319-G-T.
Other names: c.*22-2382C>A (NM_001348571.2); short protein forms R359L.
Identifiers: ClinVar variation 1025273 (VCV001025273.7), dbSNP rs147766972, ClinGen allele CA381462648.

ClinVar aggregate classification (germline): Uncertain significance (1 of 4 stars; one submission).

Conditions:
Bardet-Biedl syndrome (BBS). Identifiers: Orphanet 110, MedGen C0752166, MONDO:0015229.

Submission:

Labcorp Genetics (formerly Invitae), Labcorp
Classification: Uncertain significance for Bardet-Biedl syndrome. Last evaluated: 2021-08-31. Review status: criteria provided, single submitter. Criteria: Invitae Variant Classification Sherloc (09022015). Collection method: clinical testing. Allele origin: germline.
Comment: This sequence change replaces arginine with leucine at codon 359 of the BBS1 protein (p.Arg359Leu). The arginine residue is moderately conserved and there is a moderate physicochemical difference between arginine and leucine. This variant is not present in population databases (ExAC no frequency). This variant has not been reported in the literature in individuals affected with BBS1-related conditions. Algorithms developed to predict the effect of missense changes on protein structure and function (SIFT, PolyPhen-2, Align-GVGD) all suggest that this variant is likely to be tolerated. In summary, the available evidence is currently insufficient to determine the role of this variant in disease. Therefore, it has been classified as a Variant of Uncertain Significance.